The following is an entry in ClinVar:

ClinVar aggregate classification (germline): Uncertain significance. Review status: criteria provided, multiple submitters, no conflicts (2 of 4 stars). 4 submissions from 4 submitters: Uncertain significance (4). Last evaluated 2026-01-14.

Conditions:
Cardiovascular phenotype. Identifiers: MedGen CN230736.
MYH6-related disorder. Also called: MYH6-Related Disorders; MYH6-related condition.
Hypertrophic cardiomyopathy 14. Identifiers: MedGen C2750467, MONDO:0013197, OMIM 613251.

Allele frequency attached by ClinVar (database versions not stated): ExAC 0.00002; gnomAD exomes 0.00002 and 0.00005; TOPMed 0.00003; gnomAD 0.00005.
gnomAD v4.1: 86 of 1,613,846 alleles (0.0053%); highest among the groups gnomAD compares: Non-Finnish European, 0.0066%; no homozygotes.

Submissions (4):

Labcorp Genetics (formerly Invitae), Labcorp
Classification: Uncertain significance for Hypertrophic cardiomyopathy 14. Last evaluated: 2026-01-14. Review status: criteria provided, single submitter. Criteria: Invitae Variant Classification Sherloc (09022015). Collection method: clinical testing. Allele origin: germline.
Comment: This sequence change replaces serine, which is neutral and polar, with alanine, which is neutral and non-polar, at codon 393 of the MYH6 protein (p.Ser393Ala). This variant is present in population databases (rs199877580, gnomAD 0.006%). This missense change has been observed in individual(s) with MYH6-related conditions (PMID: 35352813). ClinVar contains an entry for this variant (Variation ID: 418358). Invitae Evidence Modeling of protein sequence and biophysical properties (such as structural, functional, and spatial information, amino acid conservation, physicochemical variation, residue mobility, and thermodynamic stability) indicates that this missense variant is not expected to disrupt MYH6 protein function with a negative predictive value of 80%. In summary, the available evidence is currently insufficient to determine the role of this variant in disease. Therefore, it has been classified as a Variant of Uncertain Significance.

Ambry Genetics
Classification: Uncertain significance for Cardiovascular phenotype. Last evaluated: 2025-12-22. Review status: criteria provided, single submitter. Criteria: Ambry Variant Classification Scheme 2023. Collection method: clinical testing. Allele origin: germline.
Comment: The p.S393A variant (also known as c.1177T>G), located in coding exon 11 of the MYH6 gene, results from a T to G substitution at nucleotide position 1177. The serine at codon 393 is replaced by alanine, an amino acid with similar properties. This variant has been reported in a hypertrophic cardiomyopathy (HCM) cohort; however, clinical details were limited (Lopes LR et al. Heart, 2015 Feb;101:294-301). This amino acid position is highly conserved in available vertebrate species. In addition, the in silico prediction for this alteration is inconclusive. Based on the available evidence, the clinical significance of this variant remains unclear.

PreventionGenetics, part of Exact Sciences
Classification: Uncertain significance for MYH6-related condition. Last evaluated: 2025-11-19. Review status: criteria provided, single submitter. Criteria: ACMG Guidelines, 2015. Collection method: clinical testing. Allele origin: germline.
Comment: The MYH6 c.1177T>G variant is predicted to result in the amino acid substitution p.Ser393Ala. This variant has been reported in an individual with unexplained cardiac arrest (Supplementary table 5, Grondin et al. 2022. PubMed ID: 35352813) and in a cohort study of individuals with hypertrophic cardiomyopathy (Supplementary table 1, Lopes et al. 2014. PubMed ID: 25351510). This variant is reported in 0.0062% of alleles in individuals of European (Non-Finnish) descent in gnomAD. At this time, the clinical significance of this variant is uncertain due to the absence of conclusive functional and genetic evidence.

GeneDx
Classification: Uncertain significance. Last evaluated: 2021-06-25. Review status: criteria provided, single submitter. Criteria: GeneDx Variant Classification Process June 2021. Collection method: clinical testing. Allele origin: germline. Affected: yes.
Comment: Has not been previously published as pathogenic or benign to our knowledge; In silico analysis supports that this missense variant has a deleterious effect on protein structure/function; This variant is associated with the following publications: (PMID: 27535533)

Literature cited by the submitters: PubMed 35352813 (cited by Labcorp Genetics (formerly Invitae), Labcorp); PubMed 25351510 (cited by Ambry Genetics).

NM_002471.4(MYH6):c.1177T>G (p.Ser393Ala)

Gene: MYH6 (myosin heavy chain 6; minus strand). Cytogenetic location: 14q11.2.
Variant type: single nucleotide variant.
Coding change: c.1177T>G on transcript NM_002471.4 (MANE Select); coding-DNA position 1177, T replaced by G.
Protein change: p.Ser393Ala; replaces serine 393 with alanine.
Molecular consequence: missense variant.
Genome position (GRCh38, 1-based): chr14:23,400,942, A>C on the plus strand (T>G on the coding strand, the complement: MYH6 is on the minus strand). VCF-style: chr14-23400942-A-C. GRCh37 (hg19) VCF-style: chr14-23870151-A-C.
Other names: short protein forms S393A.
Identifiers: ClinVar variation 418358 (VCV000418358.13), dbSNP rs199877580, ClinGen allele CA7115859.